The following is an entry in ClinVar:

ClinVar aggregate classification (germline): Uncertain significance (1 of 4 stars; one submission).

Submission:

Ambry Genetics
Classification: Uncertain significance. Last evaluated: 2025-09-02. Review status: criteria provided, single submitter. Criteria: Ambry Variant Classification Scheme 2023. Collection method: clinical testing. Allele origin: germline.
Comment: The c.2143delT variant, located in coding exon 21 of the KIF1B gene, results from a deletion of one nucleotide at nucleotide position 2143, causing a translational frameshift with a predicted alternate stop codon (p.S715Hfs*13). The evidence for this gene-disease relationship is limited; therefore, the clinical significance of this alteration is unclear.

NM_001365951.3(KIF1B):c.2281del (p.Ser761fs)

Gene: KIF1B (kinesin family member 1B; plus strand). Cytogenetic location: 1p36.22.
Variant type: Deletion.
Coding change: c.2281del on transcript NM_001365951.3 (MANE Select); coding-DNA position 2281, one base deleted (T; older notation c.2281delT).
Protein change: p.Ser761fs; shifts the reading frame from serine 761.
Molecular consequence: frameshift variant.
Genome position (GRCh38, 1-based): chr1:10,321,780, T deleted; the last of 2 consecutive T bases (chr1:10,321,779-10,321,780); deleting either gives the same sequence. VCF-style (leftmost placement, unchanged base first): chr1-10321778-CT-C. GRCh37 (hg19) VCF-style: chr1-10381836-CT-C.
Other names: c.2281del, p.Ser761fs (NM_001365952.1); c.2143del, p.Ser715fs (NM_015074.3); c.2143delT (NM_015074.3); short protein forms S715fs, S761fs.
Identifiers: ClinVar variation 4092375 (VCV004092375.1).